The following is an entry in ClinVar:

NM_015295.3(SMCHD1):c.2260+5G>A

Gene: SMCHD1 (structural maintenance of chromosomes flexible hinge domain containing 1; plus strand). Cytogenetic location: 18p11.32.
Variant type: single nucleotide variant.
Coding change: c.2260+5G>A on transcript NM_015295.3 (MANE Select); 5 bases into the intron after coding-DNA position 2260, G replaced by A.
Molecular consequence: intron variant.
Genome position (GRCh38, 1-based): chr18:2,707,925, G>A. VCF-style: chr18-2707925-G-A. GRCh37 (hg19) VCF-style: chr18-2707923-G-A.
Identifiers: ClinVar variation 3704484 (VCV003704484.2).

ClinVar aggregate classification (germline): Pathogenic (1 of 4 stars; one submission).

Conditions:
Facioscapulohumeral muscular dystrophy 2 (FSHD2). Also called: MUSCULAR DYSTROPHY, FACIOSCAPULOHUMERAL, TYPE 1B; FACIOSCAPULOHUMERAL MUSCULAR DYSTROPHY 2, DIGENIC; FSHD2, DIGENIC. Identifiers: Orphanet 269, MedGen C1834671, MONDO:0008031, OMIM 158901.

Submission:

Labcorp Genetics (formerly Invitae), Labcorp
Classification: Pathogenic for Facioscapulohumeral muscular dystrophy 2. Last evaluated: 2024-05-14. Review status: criteria provided, single submitter. Criteria: Invitae Variant Classification Sherloc (09022015). Collection method: clinical testing. Allele origin: germline.
Comment: This sequence change falls in intron 17 of the SMCHD1 gene. It does not directly change the encoded amino acid sequence of the SMCHD1 protein. RNA analysis indicates that this variant induces altered splicing and likely results in a shortened protein product. This variant is not present in population databases (gnomAD no frequency). This variant has been observed in individual(s) with fascioscapulohumeral muscular dystrophy (PMID: 25256356; Invitae). Variants that disrupt the consensus splice site are a relatively common cause of aberrant splicing (PMID: 17576681, 9536098). Studies have shown that this variant results in skipping of exon 17, but is expected to preserve the integrity of the reading-frame (PMID: 25256356). For these reasons, this variant has been classified as Pathogenic.

Literature cited by the submitters: PubMed 25256356; PubMed 17576681; PubMed 9536098.